The following is an entry in ClinVar:

NM_000038.6(APC):c.4403A>C (p.Lys1468Thr)

Gene: APC (APC regulator of Wnt signaling pathway; plus strand). Cytogenetic location: 5q22.2.
Variant type: single nucleotide variant.
Coding change: c.4403A>C on transcript NM_000038.6 (MANE Select); coding-DNA position 4403, A replaced by C.
Protein change: p.Lys1468Thr; replaces lysine 1468 with threonine.
Molecular consequence: missense variant. On other transcripts: non-coding transcript variant (2).
Genome position (GRCh38, 1-based): chr5:112,839,997, A>C. VCF-style: chr5-112839997-A-C. GRCh37 (hg19) VCF-style: chr5-112175694-A-C.
Other names: c.4403A>C, p.Lys1468Thr (NM_001127510.3, NM_001354895.2, NM_001407450.1); c.4349A>C, p.Lys1450Thr (NM_001127511.3); c.4457A>C, p.Lys1486Thr (NM_001354896.2, NM_001407447.1, NM_001407448.1 and 1 more transcripts); c.4433A>C, p.Lys1478Thr (NM_001354897.2); c.4328A>C, p.Lys1443Thr (NM_001354898.2); c.4319A>C, p.Lys1440Thr (NM_001354899.2); c.4280A>C, p.Lys1427Thr (NM_001354900.2); c.4226A>C, p.Lys1409Thr (NM_001354901.2, NM_001407453.1); and 11 more; short protein forms K1308T, K1377T, K1409T, K1427T, K1461T, K1468T, K1342T, K1385T.
Identifiers: ClinVar variation 5025327 (VCV005025327.1).
Genomic context (GRCh38, chr5:112,839,997, plus strand): 5'-CCAAGCGAGAAGTACCTAAAAATAAAGCACCTACTGCTGAAAAGAGAGAGAGTGGACCTA[A>C]GCAAGCTGCAGTAAATGCTGCAGTTCAGAGGGTCCAGGTTCTTCCAGATGCTGATACTTT-3'
Protein context (NP_000029.2, residues 1458-1478): PTAEKRESGP[Lys1468Thr]QAAVNAAVQR

ClinVar aggregate classification (germline): Uncertain significance (1 of 4 stars; one submission).

Conditions:
Hereditary cancer-predisposing syndrome. Also called: Neoplastic Syndromes, Hereditary; Tumor predisposition; Hereditary neoplastic syndrome; Hereditary Cancer Syndrome. Identifiers: Orphanet 140162, MedGen C0027672, MeSH D009386, MONDO:0015356.

Submission:

Ambry Genetics
Classification: Uncertain significance for Hereditary cancer-predisposing syndrome. Last evaluated: 2026-07-08. Review status: criteria provided, single submitter. Criteria: Ambry Variant Classification Scheme 2023. Collection method: clinical testing. Allele origin: germline.
Comment: The p.K1468T variant (also known as c.4403A>C), located in coding exon 15 of the APC gene, results from an A to C substitution at nucleotide position 4403. The lysine at codon 1468 is replaced by threonine, an amino acid with similar properties. This amino acid position is conserved. In addition, in silico predictors for this gene do not accurately predict pathogenicity. Based on the available evidence, the clinical significance of this variant remains unclear.